The following is an entry in ClinVar:

NM_203447.4(DOCK8):c.3589G>T (p.Asp1197Tyr)

Gene: DOCK8 (dedicator of cytokinesis 8; plus strand). Cytogenetic location: 9p24.3.
Variant type: single nucleotide variant.
Coding change: c.3589G>T on transcript NM_203447.4 (MANE Select); coding-DNA position 3589, G replaced by T.
Protein change: p.Asp1197Tyr; replaces aspartic acid 1197 with tyrosine.
Molecular consequence: missense variant.
Genome position (GRCh38, 1-based): chr9:414,840, G>T. VCF-style: chr9-414840-G-T. GRCh37 (hg19) VCF-style: chr9-414840-G-T.
Other names: c.3289G>T, p.Asp1097Tyr (NM_001190458.2); c.3385G>T, p.Asp1129Tyr (NM_001193536.2); short protein forms D1097Y, D1129Y, D1197Y.
Identifiers: ClinVar variation 940536 (VCV000940536.8), dbSNP rs1030132063, ClinGen allele CA187777336.

ClinVar aggregate classification (germline): Uncertain significance. Review status: criteria provided, multiple submitters, no conflicts (2 of 4 stars). 2 submissions from 2 submitters: Uncertain significance (2). Last evaluated 2025-08-23.

Conditions:
Inborn genetic diseases. Identifiers: MedGen C0950123, MeSH D030342.
Combined immunodeficiency due to DOCK8 deficiency (HIES2). Also called: HIES autosomal recessive; DOCK8 Deficiency; Hyper-IgE recurrent infection syndrome, autosomal recessive; HYPER-IgE RECURRENT INFECTION SYNDROME 2, AUTOSOMAL RECESSIVE; HYPER-IgE SYNDROME 2, AUTOSOMAL RECESSIVE, WITH RECURRENT INFECTIONS. Identifiers: Orphanet 217390, MedGen C4722305, MONDO:0009478, OMIM 243700.

Allele frequency attached by ClinVar (database versions not stated): gnomAD exomes below 0.00001; gnomAD 0.00001; TOPMed 0.00001.
gnomAD v4.1: 7 of 1,614,024 alleles (0.00043%); highest among the groups gnomAD compares: Non-Finnish European, 0.00059%; no homozygotes.

Submissions (2):

Ambry Genetics
Classification: Uncertain significance for Inborn genetic diseases. Last evaluated: 2025-08-23. Review status: criteria provided, single submitter. Criteria: Ambry Variant Classification Scheme 2023. Collection method: clinical testing. Allele origin: germline.

Labcorp Genetics (formerly Invitae), Labcorp
Classification: Uncertain significance for Combined immunodeficiency due to DOCK8 deficiency. Last evaluated: 2022-08-15. Review status: criteria provided, single submitter. Criteria: Invitae Variant Classification Sherloc (09022015). Collection method: clinical testing. Allele origin: germline.
Comment: This sequence change replaces aspartic acid, which is acidic and polar, with tyrosine, which is neutral and polar, at codon 1197 of the DOCK8 protein (p.Asp1197Tyr). This variant is present in population databases (no rsID available, gnomAD 0.0009%). This variant has not been reported in the literature in individuals affected with DOCK8-related conditions. ClinVar contains an entry for this variant (Variation ID: 940536). Algorithms developed to predict the effect of missense changes on protein structure and function (SIFT, PolyPhen-2, Align-GVGD) all suggest that this variant is likely to be disruptive. In summary, the available evidence is currently insufficient to determine the role of this variant in disease. Therefore, it has been classified as a Variant of Uncertain Significance.